The following is an entry in ClinVar:

ClinVar aggregate classification (germline): Uncertain significance (1 of 4 stars; one submission).

Allele frequency attached by ClinVar (database versions not stated): gnomAD exomes below 0.00001.
gnomAD v4.1: 2 of 1,612,236 alleles (0.00012%); highest among the groups gnomAD compares: Non-Finnish European, 0.00017%; no homozygotes.

Submission:

Labcorp Genetics (formerly Invitae), Labcorp
Classification: Uncertain significance. Last evaluated: 2022-10-21. Review status: criteria provided, single submitter. Criteria: Invitae Variant Classification Sherloc (09022015). Collection method: clinical testing. Allele origin: germline.
Comment: In summary, the available evidence is currently insufficient to determine the role of this variant in disease. Therefore, it has been classified as a Variant of Uncertain Significance. Algorithms developed to predict the effect of missense changes on protein structure and function (SIFT, PolyPhen-2, Align-GVGD) all suggest that this variant is likely to be tolerated. This variant has not been reported in the literature in individuals affected with FBXO11-related conditions. This variant is not present in population databases (gnomAD no frequency). This sequence change replaces cysteine, which is neutral and slightly polar, with serine, which is neutral and polar, at codon 383 of the FBXO11 protein (p.Cys383Ser).

NM_001190274.2(FBXO11):c.1147T>A (p.Cys383Ser)

Gene: FBXO11 (F-box protein 11; minus strand). Cytogenetic location: 2p16.3.
Variant type: single nucleotide variant.
Coding change: c.1147T>A on transcript NM_001190274.2 (MANE Select); coding-DNA position 1147, T replaced by A.
Protein change: p.Cys383Ser; replaces cysteine 383 with serine.
Molecular consequence: missense variant.
Genome position (GRCh38, 1-based): chr2:47,832,775, A>T on the plus strand (T>A on the coding strand, the complement: FBXO11 is on the minus strand). VCF-style: chr2-47832775-A-T. GRCh37 (hg19) VCF-style: chr2-48059914-A-T.
Other names: c.895T>A, p.Cys299Ser (NM_001374325.1, NM_025133.4); short protein forms C299S, C383S.
Identifiers: ClinVar variation 2098591 (VCV002098591.4), dbSNP rs775964314, ClinGen allele CA346765753.